The following is an entry in ClinVar:

ClinVar aggregate classification (germline): Uncertain significance. Review status: criteria provided, multiple submitters, no conflicts (2 of 4 stars). 2 submissions from 2 submitters: Uncertain significance (2). Last evaluated 2024-08-27.

Allele frequency attached by ClinVar (database versions not stated): gnomAD 0.00001; gnomAD exomes 0.00001.
gnomAD v4.1: 9 of 1,613,686 alleles (0.00056%); highest among the groups gnomAD compares: Non-Finnish European, 0.00076%; no homozygotes.

Submissions (2):

Athena Diagnostics
Classification: Uncertain significance. Last evaluated: 2024-08-27. Review status: criteria provided, single submitter. Criteria: Athena Diagnostics Criteria. Collection method: clinical testing. Allele origin: unknown.
Comment: Available data are insufficient to determine the clinical significance of the variant at this time. The frequency of this variant in the general population is uninformative in assessment of its pathogenicity. Polyphen and MutationTaster yielded discordant predictions regarding whether this amino acid change is damaging to the protein.

Labcorp Genetics (formerly Invitae), Labcorp
Classification: Uncertain significance. Last evaluated: 2022-07-05. Review status: criteria provided, single submitter. Criteria: Invitae Variant Classification Sherloc (09022015). Collection method: clinical testing. Allele origin: germline.
Comment: This sequence change replaces aspartic acid, which is acidic and polar, with glutamic acid, which is acidic and polar, at codon 533 of the COQ8A protein (p.Asp533Glu). This variant is present in population databases (rs777584892, gnomAD 0.002%). This variant has not been reported in the literature in individuals affected with COQ8A-related conditions. ClinVar contains an entry for this variant (Variation ID: 1369603). Advanced modeling of protein sequence and biophysical properties (such as structural, functional, and spatial information, amino acid conservation, physicochemical variation, residue mobility, and thermodynamic stability) performed at Invitae indicates that this missense variant is expected to disrupt COQ8A protein function. In summary, the available evidence is currently insufficient to determine the role of this variant in disease. Therefore, it has been classified as a Variant of Uncertain Significance.

Literature cited by the submitters: PubMed 32958805 (cited by Athena Diagnostics).

NM_020247.5(COQ8A):c.1599C>A (p.Asp533Glu)

Gene: COQ8A (coenzyme Q8A; plus strand). Cytogenetic location: 1q42.13.
Variant type: single nucleotide variant.
Coding change: c.1599C>A on transcript NM_020247.5 (MANE Select); coding-DNA position 1599, C replaced by A.
Protein change: p.Asp533Glu; replaces aspartic acid 533 with glutamic acid.
Molecular consequence: missense variant.
Genome position (GRCh38, 1-based): chr1:226,985,280, C>A. VCF-style: chr1-226985280-C-A. GRCh37 (hg19) VCF-style: chr1-227172981-C-A.
Other names: c.1599C>A (NM_020247.4); short protein forms D533E.
Identifiers: ClinVar variation 1369603 (VCV001369603.8), dbSNP rs777584892, ClinGen allele CA38653355.
Genomic context (GRCh38, chr1:226,985,280, plus strand): 5'-GCTGCCCACGGTCCCCTCCTGTGCCTCTCCCCAGATCATCAGGGCTGCTGCCGACAGGGA[C>A]AGGGAGACTGTGCGGGCGAAATCCATAGAGATGAAGTTCCTCACCGGCTACGAGGTCAAG-3'
Protein context (NP_064632.2, residues 523-543): IQIIRAAADR[Asp533Glu]RETVRAKSIE